The following is an entry in ClinVar:

NM_004385.5(VCAN):c.7028G>C (p.Gly2343Ala)

Genes: VCAN (versican; plus strand), VCAN-AS1 (VCAN antisense RNA 1; minus strand). Cytogenetic location: 5q14.3.
Variant type: single nucleotide variant.
Coding change: c.7028G>C on transcript NM_004385.5 (MANE Select); coding-DNA position 7028, G replaced by C.
Protein change: p.Gly2343Ala; replaces glycine 2343 with alanine.
Molecular consequence: missense variant. On other transcripts: intron variant (2).
Genome position (GRCh38, 1-based): chr5:83,540,031, G>C. VCF-style: chr5-83540031-G-C. GRCh37 (hg19) VCF-style: chr5-82835850-G-C.
Other names: c.4067G>C, p.Gly1356Ala (NM_001164097.2); c.4004-5506G>C (NM_001164098.2); c.1043-5506G>C (NM_001126336.3); short protein forms G1356A, G2343A.
Identifiers: ClinVar variation 1005211 (VCV001005211.8), dbSNP rs1463605378, ClinGen allele CA360313865.

ClinVar aggregate classification (germline): Uncertain significance (1 of 4 stars; one submission).

Allele frequency attached by ClinVar (database versions not stated): gnomAD exomes below 0.00001.
gnomAD v4.1: 2 of 1,614,048 alleles (0.00012%); highest among the groups gnomAD compares: South Asian, 0.0022%; no homozygotes.

Submission:

Labcorp Genetics (formerly Invitae), Labcorp
Classification: Uncertain significance. Last evaluated: 2022-10-13. Review status: criteria provided, single submitter. Criteria: Invitae Variant Classification Sherloc (09022015). Collection method: clinical testing. Allele origin: germline.
Comment: This variant has not been reported in the literature in individuals affected with VCAN-related conditions. In summary, the available evidence is currently insufficient to determine the role of this variant in disease. Therefore, it has been classified as a Variant of Uncertain Significance. Algorithms developed to predict the effect of missense changes on protein structure and function output the following: SIFT: "Tolerated"; PolyPhen-2: "Benign"; Align-GVGD: "Class C0". The alanine amino acid residue is found in multiple mammalian species, which suggests that this missense change does not adversely affect protein function. ClinVar contains an entry for this variant (Variation ID: 1005211). This variant is present in population databases (no rsID available, gnomAD 0.003%). This sequence change replaces glycine, which is neutral and non-polar, with alanine, which is neutral and non-polar, at codon 2343 of the VCAN protein (p.Gly2343Ala).